The following is an entry in ClinVar:

NM_144997.7(FLCN):c.1301A>G (p.Glu434Gly)

Gene: FLCN (folliculin; minus strand). Cytogenetic location: 17p11.2.
Variant type: single nucleotide variant.
Coding change: c.1301A>G on transcript NM_144997.7 (MANE Select); coding-DNA position 1301, A replaced by G.
Protein change: p.Glu434Gly; replaces glutamic acid 434 with glycine.
Molecular consequence: missense variant.
Genome position (GRCh38, 1-based): chr17:17,215,316, T>C on the plus strand (A>G on the coding strand, the complement: FLCN is on the minus strand). VCF-style: chr17-17215316-T-C. GRCh37 (hg19) VCF-style: chr17-17118630-T-C.
Other names: c.1301A>G (LRG_325t1, NM_144997.6); c.1355A>G, p.Glu452Gly (NM_001353229.2); c.1301A>G, p.Glu434Gly (NM_001353230.2, NM_001353231.2); short protein forms E434G, E452G.
Identifiers: ClinVar variation 654530 (VCV000654530.13), dbSNP rs1286890611, ClinGen allele CA398531515.

ClinVar aggregate classification (germline): Uncertain significance. Review status: criteria provided, multiple submitters, no conflicts (2 of 4 stars). 4 submissions from 4 submitters: Uncertain significance (4). Last evaluated 2025-08-18.

Conditions:
Birt-Hogg-Dube syndrome. Also called: Birt Hogg Dubé syndrome. Identifiers: Orphanet 122, MedGen C0346010, MONDO:0800444.
Hereditary cancer-predisposing syndrome. Also called: Neoplastic Syndromes, Hereditary; Hereditary neoplastic syndrome; Hereditary Cancer Syndrome; Tumor predisposition. Identifiers: Orphanet 140162, MedGen C0027672, MeSH D009386, MONDO:0015356.
Colorectal cancer. Also called: Colorectal cancer, somatic; Malignant Colorectal Neoplasm. Identifiers: MedGen C0346629, MONDO:0005575, OMIM 114500.
Birt-Hogg-Dube syndrome 1 (BHD1). Also called: FIBROFOLLICULOMAS WITH TRICHODISCOMAS AND ACROCHORDONS. Identifiers: Orphanet 122, MedGen CN375946, MONDO:0800445, OMIM 135150.
Familial spontaneous pneumothorax (PSP). Identifiers: Orphanet 2903, MedGen C1868193, MONDO:0008259, OMIM 173600.
Nonpapillary renal cell carcinoma. Identifiers: Orphanet 422526, MedGen CN074294, MONDO:0007763, OMIM 144700.

Allele frequency attached by ClinVar (database versions not stated): gnomAD exomes below 0.00001; TOPMed below 0.00001; gnomAD 0.00001.
gnomAD v4.1: 8 of 1,613,746 alleles (0.0005%); highest among the groups gnomAD compares: Admixed American, 0.0017%; no homozygotes.

Submissions (4):

Labcorp Genetics (formerly Invitae), Labcorp
Classification: Uncertain significance for Birt-Hogg-Dube syndrome. Last evaluated: 2025-08-18. Review status: criteria provided, single submitter. Criteria: Invitae Variant Classification Sherloc (09022015). Collection method: clinical testing. Allele origin: germline.
Comment: This sequence change replaces glutamic acid, which is acidic and polar, with glycine, which is neutral and non-polar, at codon 434 of the FLCN protein (p.Glu434Gly). This variant is present in population databases (no rsID available, gnomAD 0.003%). This variant has not been reported in the literature in individuals affected with FLCN-related conditions. ClinVar contains an entry for this variant (Variation ID: 654530). An algorithm developed to predict the effect of missense changes on protein structure and function (PolyPhen-2) suggests that this variant is likely to be disruptive. In summary, the available evidence is currently insufficient to determine the role of this variant in disease. Therefore, it has been classified as a Variant of Uncertain Significance.

Ambry Genetics
Classification: Uncertain significance for Hereditary cancer-predisposing syndrome. Last evaluated: 2025-03-25. Review status: criteria provided, single submitter. Criteria: Ambry Variant Classification Scheme 2023. Collection method: clinical testing. Allele origin: germline.
Comment: The p.E434G variant (also known as c.1301A>G) is located in coding exon 9 of the FLCN gene. The glutamic acid at codon 434 is replaced by glycine, an amino acid with similar properties. This change occurs in the first base pair of coding exon 9. This amino acid position is highly conserved in available vertebrate species. In addition, this alteration is predicted to be deleterious by in silico analysis. Since supporting evidence is limited at this time, the clinical significance of this alteration remains unclear.

Quest Diagnostics Nichols Institute San Juan Capistrano
Classification: Uncertain significance. Last evaluated: 2024-09-07. Review status: criteria provided, single submitter. Criteria: Quest Diagnostics criteria. Collection method: clinical testing. Allele origin: unknown.
Comment: The FLCN c.1301A>G (p.Glu434Gly) variant has not been reported in individuals with FLCN-related conditions in the published literature. The frequency of this variant in the general population, 0.000004 (1/250118 chromosomes (Genome Aggregation Database)), is uninformative in the assessment of its pathogenicity. Analysis of this variant using bioinformatics tools for the prediction of the effect of amino acid changes on protein structure and function yielded predictions that this variant is benign. Based on the available information, we are unable to determine the clinical significance of this variant.

Fulgent Genetics
Classification: Uncertain significance for Colorectal cancer; Birt-Hogg-Dube syndrome 1; Nonpapillary renal cell carcinoma; Familial spontaneous pneumothorax. Last evaluated: 2024-04-08. Review status: criteria provided, single submitter. Criteria: ACMG Guidelines, 2015. Collection method: clinical testing. Allele origin: germline.